The following is an entry in ClinVar:

ClinVar aggregate classification (germline): Conflicting classifications of pathogenicity. Review status: criteria provided, conflicting classifications (1 of 4 stars). 4 submissions from 4 submitters: Likely pathogenic (2); Uncertain significance (2). Last evaluated 2025-09-30.

Conditions:
Arrhythmogenic right ventricular dysplasia 10. Also called: Arrhythmogenic Right Ventricular Dysplasia/Cardiomyopathy10; ARRHYTHMOGENIC RIGHT VENTRICULAR DYSPLASIA, FAMILIAL, 10; Arrhythmogenic right ventricular dysplasia/cardiomyopathy, type 10. Identifiers: MedGen C1857777, MONDO:0012434, OMIM 610193.
Arrhythmogenic right ventricular cardiomyopathy (ARVD). Also called: Arrhythmogenic Right Ventricular Cardiomyopathy (ARVC); Arrhythmogenic cardiomyopathy; Cardiomyopathy, ARVC; Arrhythmogenic right ventricular dysplasia. Identifiers: Orphanet 247, MedGen C0349788, MeSH D019571, MONDO:0016587. Disease mechanism: loss of function. Inheritance: Various modes of inheritance.
Cardiomyopathy (CMYO). Also called: Cardiomyopathies. Identifiers: Orphanet 167848, MedGen C0878544, MONDO:0004994, HP:0001638. Inheritance: Various modes of inheritance.

Allele frequency attached by ClinVar (database versions not stated): gnomAD exomes below 0.00001; TOPMed below 0.00001; ExAC 0.00001; gnomAD 0.00001.
gnomAD v4.1: 2 of 1,613,854 alleles (0.00012%); highest among the groups gnomAD compares: African/African-American, 0.0027%; no homozygotes.

Submissions (4):

GeneDx
Classification: Likely pathogenic. Last evaluated: 2025-09-30. Review status: criteria provided, single submitter. Criteria: GeneDx Variant Classification Process June 2021. Collection method: clinical testing. Allele origin: germline.
Comment: Reported in an individual with right-dominant arrhythmogenic cardiomyopathy; detailed patient-specific clinical and segregation information were not provided (PMID: 35819174); Canonical splice site variant predicted to result in an in-frame loss of the adjacent exon in a gene for which loss of function is a known mechanism of disease; Not observed at significant frequency in large population cohorts (gnomAD); This variant is associated with the following publications: (PMID: 35819174, 39096151)

Labcorp Genetics (formerly Invitae), Labcorp
Classification: Likely pathogenic for Arrhythmogenic right ventricular dysplasia 10. Last evaluated: 2025-07-27. Review status: criteria provided, single submitter. Criteria: Invitae Variant Classification Sherloc (09022015). Collection method: clinical testing. Allele origin: germline.
Comment: This sequence change affects an acceptor splice site in intron 2 of the DSG2 gene. It is expected to disrupt RNA splicing. Variants that disrupt the donor or acceptor splice site typically lead to a loss of protein function (PMID: 16199547), and loss-of-function variants in DSG2 are known to be pathogenic (PMID: 17105751, 31386562). This variant is present in population databases (rs746353565, gnomAD 0.008%). Disruption of this splice site has been observed in individual(s) with arrhythmogenic cardiomyopathy (PMID: 35819174). ClinVar contains an entry for this variant (Variation ID: 1507790). Algorithms developed to predict the effect of sequence changes on RNA splicing suggest that this variant may disrupt the consensus splice site. In summary, the currently available evidence indicates that the variant is pathogenic, but additional data are needed to prove that conclusively. Therefore, this variant has been classified as Likely Pathogenic.

Color Diagnostics, LLC DBA Color Health
Classification: Uncertain significance for Cardiomyopathy. Last evaluated: 2025-07-01. Review status: criteria provided, single submitter. Criteria: ACMG Guidelines, 2015. Collection method: clinical testing. Allele origin: germline.
Comment: This variant causes a G to A nucleotide substitution at the -1 position of intron 2 of the DSG2 gene. Splice prediction tools suggest that this variant may have a significant impact on splicing. To our knowledge, functional studies have not been reported for this variant. This variant has not been reported in individuals affected with DSG2-related disorders in the literature. This variant has been identified in 2/280692 chromosomes in the general population by the Genome Aggregation Database (gnomAD). Clinical relevance of loss-of-function DSG2 truncation and splice variants in autosomal dominant cardiovascular disorders is not clearly established. The available evidence is insufficient to determine the role of this variant in disease conclusively. Therefore, this variant is classified as a Variant of Uncertain Significance.

Molecular Genetics Laboratory - Cardiogenetics, CHU de Nantes
Classification: Uncertain significance for Arrhythmogenic right ventricular cardiomyopathy. Last evaluated: 2022-06-01. Review status: criteria provided, single submitter. Criteria: ACMG Guidelines, 2015. Collection method: curation. Allele origin: germline. Affected: yes.

Literature cited by the submitters: PubMed 16199547 (cited by Labcorp Genetics (formerly Invitae), Labcorp); PubMed 17105751 (cited by Labcorp Genetics (formerly Invitae), Labcorp); PubMed 31386562 (cited by Labcorp Genetics (formerly Invitae), Labcorp); PubMed 35819174 (cited by Labcorp Genetics (formerly Invitae), Labcorp).

NM_001943.5(DSG2):c.82-1G>A

Gene: DSG2 (desmoglein 2; plus strand). Cytogenetic location: 18q12.1.
Variant type: single nucleotide variant.
Coding change: c.82-1G>A on transcript NM_001943.5 (MANE Select); the canonical splice acceptor site of the intron before coding-DNA position 82, G replaced by A.
Molecular consequence: splice acceptor variant.
Genome position (GRCh38, 1-based): chr18:31,519,802, G>A. VCF-style: chr18-31519802-G-A. GRCh37 (hg19) VCF-style: chr18-29099765-G-A.
Identifiers: ClinVar variation 1507790 (VCV001507790.11), dbSNP rs746353565, ClinGen allele CA050092.